The following is an entry in ClinVar:

NM_005727.4(TSPAN1):c.-142+2012A>G

Gene: TSPAN1 (tetraspanin 1; plus strand). Cytogenetic location: 1p34.1.
Variant type: single nucleotide variant.
Coding change: c.-142+2012A>G on transcript NM_005727.4 (MANE Select); 2012 bases into the intron after 142 bases upstream of the start codon, A replaced by G.
Molecular consequence: intron variant.
Genome position (GRCh38, 1-based): chr1:46,177,421, A>G. VCF-style: chr1-46177421-A-G. GRCh37 (hg19) VCF-style: chr1-46643093-A-G.
Identifiers: ClinVar variation 1281508 (VCV001281508.1), dbSNP rs7536272, ClinGen allele CA21900782.

ClinVar aggregate classification (germline): Benign (1 of 4 stars; one submission).

Allele frequency attached by ClinVar (database versions not stated): gnomAD 0.21963 and 0.22811; TOPMed 0.22995; 1000 Genomes Project 30x 0.33620; 1000 Genomes Project 0.34265.

Submission:

GeneDx
Classification: Benign. Last evaluated: 2019-01-11. Review status: criteria provided, single submitter. Criteria: GeneDx Variant Classification Process June 2021. Collection method: clinical testing. Allele origin: germline. Affected: yes.
Comment: This variant is associated with the following publications: (PMID: 29802999)